The following is an entry in ClinVar:

NM_001164508.2(NEB):c.21084dup (p.Thr7029fs)

Gene: NEB (nebulin; minus strand). Cytogenetic location: 2q23.3.
Variant type: Duplication.
Coding change: c.21084dup on transcript NM_001164508.2 (MANE Select); coding-DNA position 21084, one base duplicated (C; older notation c.21084dupC).
Protein change: p.Thr7029fs; shifts the reading frame from threonine 7029.
Molecular consequence: frameshift variant.
Genome position (GRCh38, 1-based): chr2:151,537,890, G duplicated on the plus strand (C on the coding strand, the reverse complement: NEB is on the minus strand). VCF-style (leftmost placement, unchanged base first): chr2-151537889-T-TG. GRCh37 (hg19) VCF-style: chr2-152394403-T-TG.
Other names: c.21084dup, p.Thr7029fs (NM_001164507.2, NM_001271208.2); c.15981dup, p.Thr5328fs (NM_004543.5); short protein forms T5328fs, T7029fs.
Identifiers: ClinVar variation 5012308 (VCV005012308.1).

ClinVar aggregate classification (germline): Pathogenic (1 of 4 stars; one submission).

Conditions:
Nemaline myopathy 2 (NEM2). Also called: Nemaline myopathy 2, autosomal recessive. Identifiers: MedGen C1850569, MONDO:0009725, OMIM 256030.

Submission:

Myriad Genetics, Inc.
Classification: Pathogenic for Nemaline myopathy 2. Last evaluated: 2023-09-27. Review status: criteria provided, single submitter. Criteria: Myriad Autosomal Dominant, Autosomal Recessive and X-Linked Classification Criteria (2023). Collection method: clinical testing. Allele origin: unknown.
Comment: NM_001271208.1(NEB):c.21084dupC(T7029Hfs*2) is expected to be pathogenic in the context of NEB-related nemaline myopathy. This variant is predicted to lead to an abnormal or absent protein product due to the creation of a premature termination codon in NEB, a gene where loss-of-function variants are known to be pathogenic. Please note: this variant was assessed in the context of healthy population screening.